The following is an entry in ClinVar:

NM_001805.4(CEBPE):c.292G>C (p.Asp98His)

Gene: CEBPE (CCAAT enhancer binding protein epsilon; minus strand). Cytogenetic location: 14q11.2.
Variant type: single nucleotide variant.
Coding change: c.292G>C on transcript NM_001805.4 (MANE Select); coding-DNA position 292, G replaced by C.
Protein change: p.Asp98His; replaces aspartic acid 98 with histidine.
Molecular consequence: missense variant.
Genome position (GRCh38, 1-based): chr14:23,118,800, C>G on the plus strand (G>C on the coding strand, the complement: CEBPE is on the minus strand). VCF-style: chr14-23118800-C-G. GRCh37 (hg19) VCF-style: chr14-23588009-C-G.
Other names: short protein forms D98H.
Identifiers: ClinVar variation 2003071 (VCV002003071.1), dbSNP rs766386811, ClinGen allele CA7111246.
Genomic context (GRCh38, chr14:23,118,800, plus strand): 5'-CAGCCCTGGGGTCGTAGCTCCCTGGGCTGCTGTAGATGCCAGGCCCCAGCGCCTTCCTGT[C>G]TGGGCCGAAGGTATGTGGAGGGTAGGCAAAGGGCCGAGGGTCAGGCGGCAAGTAGTGGGG-3'
Protein context (NP_001796.2, residues 88-108): FAYPPHTFGP[Asp98His]RKALGPGIYS

ClinVar aggregate classification (germline): Uncertain significance (1 of 4 stars; one submission).

Conditions:
Specific granule deficiency. Identifiers: Orphanet 169142, MedGen C0398593, MONDO:0009506.

Allele frequency attached by ClinVar (database versions not stated): gnomAD 0.00001; gnomAD exomes 0.00001; ExAC 0.00003.
gnomAD v4.1: 18 of 1,612,996 alleles (0.0011%); highest among the groups gnomAD compares: South Asian, 0.019%; no homozygotes.

Submission:

Labcorp Genetics (formerly Invitae), Labcorp
Classification: Uncertain significance for Specific granule deficiency. Last evaluated: 2022-03-12. Review status: criteria provided, single submitter. Criteria: Invitae Variant Classification Sherloc (09022015). Collection method: clinical testing. Allele origin: germline.
Comment: This sequence change replaces aspartic acid, which is acidic and polar, with histidine, which is basic and polar, at codon 98 of the CEBPE protein (p.Asp98His). This variant is present in population databases (rs766386811, gnomAD 0.03%). This variant has not been reported in the literature in individuals affected with CEBPE-related conditions. Algorithms developed to predict the effect of missense changes on protein structure and function (SIFT, PolyPhen-2, Align-GVGD) all suggest that this variant is likely to be disruptive. Algorithms developed to predict the effect of sequence changes on RNA splicing suggest that this variant may create or strengthen a splice site. In summary, the available evidence is currently insufficient to determine the role of this variant in disease. Therefore, it has been classified as a Variant of Uncertain Significance.